The following is an entry in ClinVar:

NM_000138.5(FBN1):c.7570+5G>C

Gene: FBN1 (fibrillin 1; minus strand). Cytogenetic location: 15q21.1.
Variant type: single nucleotide variant.
Coding change: c.7570+5G>C on transcript NM_000138.5 (MANE Select); 5 bases into the intron after coding-DNA position 7570, G replaced by C.
Molecular consequence: intron variant.
Genome position (GRCh38, 1-based): chr15:48,421,947, C>G on the plus strand (G>C on the coding strand, the complement: FBN1 is on the minus strand). VCF-style: chr15-48421947-C-G. GRCh37 (hg19) VCF-style: chr15-48714144-C-G.
Other names: c.7570+5G>C (NM_001406716.1).
Identifiers: ClinVar variation 4785509 (VCV004785509.1).

ClinVar aggregate classification (germline): Uncertain significance (1 of 4 stars; one submission).

Conditions:
Marfan syndrome (MFS). Also called: FBN1-Related Marfan Syndrome; MARFAN SYNDROME, TYPE I; Marfan syndrome type 1; Marfan's syndrome; Marfan syndrome, classic. Identifiers: Orphanet 284963, Orphanet 558, MedGen C0024796, MONDO:0007947, OMIM 154700.
Familial thoracic aortic aneurysm and aortic dissection (TAAD). Also called: Thoracic aortic aneurysms and dissections. Identifiers: Orphanet 91387, MedGen C4707243, MONDO:0019625.

Submission:

Labcorp Genetics (formerly Invitae), Labcorp
Classification: Uncertain significance for Marfan syndrome; Familial thoracic aortic aneurysm and aortic dissection. Last evaluated: 2025-07-08. Review status: criteria provided, single submitter. Criteria: Invitae Variant Classification Sherloc (09022015). Collection method: clinical testing. Allele origin: germline.
Comment: This sequence change falls in intron 61 of the FBN1 gene. It does not directly change the encoded amino acid sequence of the FBN1 protein. It affects a nucleotide within the consensus splice site. This variant is not present in population databases (gnomAD no frequency). This variant has not been reported in the literature in individuals affected with FBN1-related conditions. Variants that disrupt the consensus splice site are a relatively common cause of aberrant splicing (PMID: 17576681, 9536098). Algorithms developed to predict the effect of sequence changes on RNA splicing suggest that this variant may disrupt the consensus splice site. This variant disrupts the c.7570+5G nucleotide in the FBN1 gene. Other variant(s) that disrupt this nucleotide have been determined to be pathogenic (PMID: 28636274). This suggests that this nucleotide is clinically significant, and that variants that disrupt this position are likely to be disease-causing. In summary, the available evidence is currently insufficient to determine the role of this variant in disease. Therefore, it has been classified as a Variant of Uncertain Significance.

Literature cited by the submitters: PubMed 17576681; PubMed 9536098; PubMed 28636274.